The following is an entry in ClinVar:

NM_005431.2(XRCC2):c.565C>G (p.Leu189Val)

Gene: XRCC2 (X-ray repair cross complementing 2; minus strand). Cytogenetic location: 7q36.1.
Variant type: single nucleotide variant.
Coding change: c.565C>G on transcript NM_005431.2 (MANE Select); coding-DNA position 565, C replaced by G.
Protein change: p.Leu189Val; replaces leucine 189 with valine.
Molecular consequence: missense variant.
Genome position (GRCh38, 1-based): chr7:152,648,920, G>C on the plus strand (C>G on the coding strand, the complement: XRCC2 is on the minus strand). VCF-style: chr7-152648920-G-C. GRCh37 (hg19) VCF-style: chr7-152346005-G-C.
Other names: short protein forms L189V.
Identifiers: ClinVar variation 825879 (VCV000825879.5), dbSNP rs774238097, ClinGen allele CA370198417.

ClinVar aggregate classification (germline): Uncertain significance (1 of 4 stars; one submission).

Conditions:
Hereditary cancer-predisposing syndrome. Also called: Neoplastic Syndromes, Hereditary; Tumor predisposition; Hereditary neoplastic syndrome; Hereditary Cancer Syndrome. Identifiers: Orphanet 140162, MedGen C0027672, MeSH D009386, MONDO:0015356.

Allele frequency attached by ClinVar (database versions not stated): TOPMed below 0.00001.

Submission:

Ambry Genetics
Classification: Uncertain significance for Hereditary cancer-predisposing syndrome. Last evaluated: 2022-12-20. Review status: criteria provided, single submitter. Criteria: Ambry Variant Classification Scheme 2023. Collection method: clinical testing. Allele origin: germline.
Comment: The p.L189V variant (also known as c.565C>G), located in coding exon 3 of the XRCC2 gene, results from a C to G substitution at nucleotide position 565. The leucine at codon 189 is replaced by valine, an amino acid with highly similar properties. This amino acid position is highly conserved in available vertebrate species. In addition, this alteration is predicted to be tolerated by in silico analysis. Since supporting evidence is limited at this time, the clinical significance of this alteration remains unclear.